The following is an entry in ClinVar:

ClinVar aggregate classification (germline): Benign. Review status: criteria provided, multiple submitters, no conflicts (2 of 4 stars). 5 submissions from 5 submitters: Benign (5). Last evaluated 2026-02-03.

Conditions:
Congenital glucose-galactose malabsorption (GGM). Also called: MONOSACCHARIDE MALABSORPTION; DIARRHEA 16. Identifiers: Orphanet 35710, MedGen C0268186, MONDO:0011731, OMIM 606824.

Allele frequency attached by ClinVar (database versions not stated): 1000 Genomes Project 0.02216; 1000 Genomes Project 30x 0.02420; TOPMed 0.04282; gnomAD 0.04535 and 0.04560; gnomAD exomes 0.04851; ExAC 0.05017; ESP Exome Variant Server 0.05098.
gnomAD v4.1: 105,748 of 1,612,790 alleles (6.6%); highest among the groups gnomAD compares: Non-Finnish European, 7.7%; 3,957 homozygotes.

Submissions (5):

Labcorp Genetics (formerly Invitae), Labcorp
Classification: Benign for Congenital glucose-galactose malabsorption. Last evaluated: 2026-02-03. Review status: criteria provided, single submitter. Criteria: Invitae Variant Classification Sherloc (09022015). Collection method: clinical testing. Allele origin: germline.

Mayo Clinic Laboratories, Mayo Clinic
Classification: Benign. Last evaluated: 2023-10-20. Review status: criteria provided, single submitter. Criteria: ACMG Guidelines, 2015. Collection method: clinical testing. Allele origin: germline. Observed: 17 variant alleles.

Illumina Laboratory Services, Illumina
Classification: Benign for Congenital glucose-galactose malabsorption. Last evaluated: 2018-01-13. Review status: criteria provided, single submitter. Criteria: ICSL Variant Classification Criteria 13 December 2019. Collection method: clinical testing. Allele origin: germline.
Comment: This variant was observed in the ICSL laboratory as part of a predisposition screen in an ostensibly healthy population. It had not been previously curated by ICSL or reported in the Human Gene Mutation Database (HGMD: prior to June 1st, 2018), and was therefore a candidate for classification through an automated scoring system. Utilizing variant allele frequency, disease prevalence and penetrance estimates, and inheritance mode, an automated score was calculated to assess if this variant is too frequent to cause the disease. Based on the score and internal cut-off values, a variant classified as benign is not then subjected to further curation. The score for this variant resulted in a classification of benign for this disease.

Laboratory for Molecular Medicine, Mass General Brigham Personalized Medicine
Classification: Benign. Last evaluated: 2016-03-28. Review status: criteria provided, single submitter. Criteria: LMM Criteria. Collection method: clinical testing. Allele origin: germline.
Comment: Variant identified in a genome or exome case(s) and assessed due to predicted null impact of the variant or pathogenic assertions in the literature or databases. Disclaimer: This variant has not undergone full assessment. The following are preliminary notes: MAF

Breakthrough Genomics
Classification: Benign. Review status: criteria provided, single submitter. Criteria: ACMG Guidelines, 2015. Collection method: not provided. Allele origin: germline. Inheritance: Autosomal recessive inheritance. Affected: yes.

NM_000343.4(SLC5A1):c.1275C>T (p.Ala425=)

Gene: SLC5A1 (solute carrier family 5 member 1; plus strand). Cytogenetic location: 22q12.3.
Variant type: single nucleotide variant.
Coding change: c.1275C>T on transcript NM_000343.4 (MANE Select); coding-DNA position 1275, C replaced by T.
Protein change: p.Ala425=; no amino-acid change (alanine 425 retained).
Molecular consequence: synonymous variant.
Genome position (GRCh38, 1-based): chr22:32,091,757, C>T. VCF-style: chr22-32091757-C-T. GRCh37 (hg19) VCF-style: chr22-32487744-C-T.
Other names: p.Ala425=; c.894C>T, p.Ala298= (NM_001256314.2).
Identifiers: ClinVar variation 341253 (VCV000341253.18), dbSNP rs17683448, ClinGen allele CA10198199.
Genomic context (GRCh38, chr22:32,091,757, plus strand): 5'-CACCATGGACATCTACGCCAAGGTCCGCAAGAGAGCATCTGAGAAAGAGCTCATGATTGC[C>T]GGAAGGTAAATGCAGCTTCCCCCAAGCCACAAAAGCTTGAATGATCAGAGAGGTTCCATC-3'
Protein context (NP_000334.1, residues 415-435): KRASEKELMI[Ala425=]GRLFILVLIG